The following is an entry in ClinVar:

NM_001849.4(COL6A2):c.812G>A (p.Gly271Asp)

Gene: COL6A2 (collagen type VI alpha 2 chain; plus strand). Cytogenetic location: 21q22.3.
Variant type: single nucleotide variant.
Coding change: c.812G>A on transcript NM_001849.4 (MANE Select); coding-DNA position 812, G replaced by A.
Protein change: p.Gly271Asp; replaces glycine 271 with aspartic acid.
Molecular consequence: missense variant.
Genome position (GRCh38, 1-based): chr21:46,115,882, G>A. VCF-style: chr21-46115882-G-A. GRCh37 (hg19) VCF-style: chr21-47535796-G-A.
Other names: c.812G>A (NM_001849.3); c.812G>A, p.Gly271Asp (NM_058174.3, NM_058175.3); short protein forms G271D.
Identifiers: ClinVar variation 198136 (VCV000198136.6), dbSNP rs794727788, ClinGen allele CA275346.

ClinVar aggregate classification (germline): Pathogenic. Review status: criteria provided, multiple submitters, no conflicts (2 of 4 stars). 2 submissions from 2 submitters: Pathogenic (2). Last evaluated 2023-10-15.

Conditions:
COL6A2-related disorder.

Submissions (2):

Rady Children's Institute for Genomic Medicine, Rady Children's Hospital San Diego
Classification: Pathogenic for COL6A2-related disorders. Last evaluated: 2023-10-15. Review status: criteria provided, single submitter. Criteria: ACMG Guidelines, 2015. Collection method: clinical testing. Allele origin: germline. Affected: yes.
Comment: The c.812G>A (p.Gly271Asp) variant affects a highly conserved amino acid and is predicted by multiple in silico tools to have a deleterious effect on protein function. This variant has been previously reported as a heterozygous change in patients with COL6A2-related disorders (PMID: 17785673, 24038877, 24801232, 29419890, 29465610, 34167565). Functional studies have shown reduced level of collagen VI at the muscle basement membrane and mis-localization of the protein in interstitial and perivascular regions (PMID: 24038877, 24801232). The c.812G>A (p.Gly271Asp) variant is absent from the gnomAD population database and thus is presumed to be rare. Analysis of the parental samples was negative for the variant, indicating this variant likely occurred as a de novo event. Based on the available evidence, c.812G>A (p.Gly271Asp) is classified as Pathogenic.

Eurofins Ntd Llc (ga)
Classification: Pathogenic. Last evaluated: 2014-08-05. Review status: criteria provided, single submitter. Criteria: EGL Classification Definitions 2015. Collection method: clinical testing. Allele origin: germline. Observed: 1 variant allele, 1 heterozygote.

Literature cited by the submitters: PubMed 17785673 (cited by Rady Children's Institute for Genomic Medicine, Rady Children's Hospital San Diego); 24038877 (cited by Rady Children's Institute for Genomic Medicine, Rady Children's Hospital San Diego); 24801232 (cited by Rady Children's Institute for Genomic Medicine, Rady Children's Hospital San Diego); 29419890 (cited by Rady Children's Institute for Genomic Medicine, Rady Children's Hospital San Diego); 29465610 (cited by Rady Children's Institute for Genomic Medicine, Rady Children's Hospital San Diego); 34167565 (cited by Rady Children's Institute for Genomic Medicine, Rady Children's Hospital San Diego).